The following is an entry in ClinVar:

NM_000492.4(CFTR):c.489+2T>C

Gene: CFTR (CF transmembrane conductance regulator; plus strand). Cytogenetic location: 7q31.2.
Variant type: single nucleotide variant.
Coding change: c.489+2T>C on transcript NM_000492.4 (MANE Select); the canonical splice donor site of the intron after coding-DNA position 489, T replaced by C.
Molecular consequence: splice donor variant.
Genome position (GRCh38, 1-based): chr7:117,531,116, T>C. VCF-style: chr7-117531116-T-C. GRCh37 (hg19) VCF-style: chr7-117171170-T-C.
Identifiers: ClinVar variation 53969 (VCV000053969.17), dbSNP rs397508732, ClinGen allele CA327527.

ClinVar aggregate classification (germline): Pathogenic/Likely pathogenic. Review status: criteria provided, multiple submitters, no conflicts (2 of 4 stars). 8 submissions from 8 submitters: Pathogenic (5); Likely pathogenic (1). 2 of the submissions do not count toward it. Last evaluated 2026-01-14.

Conditions:
CFTR-related disorder (CFTR-RD). Also called: CFTR-related condition; CFTR-related disorders. Identifiers: MedGen C5924204, MONDO:7770004.
Bronchiectasis with or without elevated sweat chloride 1 (BESC1). Also called: Cystic Fibrosis-Like Syndrome. Identifiers: Orphanet 60033, MedGen C2749757, MONDO:0008887, OMIM 211400.
Congenital bilateral aplasia of vas deferens from CFTR mutation (CBAVD). Identifiers: Orphanet 48, MedGen C0403814, MONDO:0010178, OMIM 277180. Disease mechanism: loss of function.
Cystic fibrosis (CF). Also called: MUCOVISCIDOSIS. Identifiers: Orphanet 586, MedGen C0010674, MONDO:0009061, OMIM 219700. Disease mechanism: loss of function.
Hereditary pancreatitis (PCTT). Also called: PRSS1-Related Hereditary Pancreatitis; Hereditary chronic pancreatitis. Identifiers: Orphanet 676, MedGen C0238339, MONDO:0008185, OMIM 167800.

Submissions (8):

Women's Health and Genetics/Laboratory Corporation of America, LabCorp
Classification: Pathogenic for Cystic fibrosis. Last evaluated: 2026-01-14. Review status: criteria provided, single submitter. Criteria: LabCorp Variant Classification Summary - May 2015. Collection method: clinical testing. Allele origin: germline.
Comment: Variant summary: CFTR c.489+2T>C is located in a canonical splice-site and is predicted to affect mRNA splicing resulting in a significantly altered protein due to either exon skipping, shortening, or inclusion of intronic material. Variants that disrupt the consensus splice site are a relatively common cause of aberrant splicing and loss of CFTR function. Several computational tools predict a significant impact on normal splicing: Three predict the variant abolishes the canonical 5' splicing donor site. One predict the variant weakens the canonical 5' splicing donor site. However, these predictions have yet to be confirmed by functional studies. The variant was absent in 245226 control chromosomes. c.489+2T>C has been reported in the primary literature as a homozygous genotype in at-least one individual affected with Cystic Fibrosis (example, Malone_1998) and has been subsequently cited by others (example, Bobadilla_2002, Kabra_2007, Wachter_2017). Additionally, at-least one patient who was reportedly compound heterozygous with the p.F508del variant on the other allele has been reported as an unpublished personal correspondence in the Sick kids database. These data indicate that the variant is likely to be associated with disease. The following publications have been ascertained in the context of this evaluation (PMID: 12007216, 17968991, 9482579, 28830496). ClinVar contains an entry for this variant (Variation ID: 53969). Based on the evidence outlined above, the variant was classified as pathogenic.

Natera, Inc.
Classification: Pathogenic for CFTR-related disorders. Last evaluated: 2025-06-11. Review status: criteria provided, single submitter. Criteria: Natera Variant Classification Schema (03/2026). Collection method: clinical testing. Allele origin: germline.
Comment: The c.489+2T>C variant in CFTR is a canonical splice donor site variant predicted to affect pre-mRNA splicing, which may result in an abnormal transcript and altered protein product. This variant is expected to result in nonsense mediated decay, truncation, or a dysfunctional protein product. This variant is rare in the general population with a frequency below the threshold expected for the associated phenotype(s). Another variant at this same site results in an alteration predicted to cause a similar molecular effect has been observed in individual(s) with the associated phenotype. Given the available evidence, this variant is classified as Pathogenic.

Labcorp Genetics (formerly Invitae), Labcorp
Classification: Pathogenic for Cystic fibrosis. Last evaluated: 2024-07-10. Review status: criteria provided, single submitter. Criteria: Invitae Variant Classification Sherloc (09022015). Collection method: clinical testing. Allele origin: germline.
Comment: This sequence change affects a donor splice site in intron 4 of the CFTR gene. It is expected to disrupt RNA splicing. Variants that disrupt the donor or acceptor splice site typically lead to a loss of protein function (PMID: 16199547), and loss-of-function variants in CFTR are known to be pathogenic (PMID: 1695717, 7691345, 9725922). This variant is not present in population databases (gnomAD no frequency). Disruption of this splice site has been observed in individuals with cystic fibrosis (PMID: 9482579, 15371902, 23974870). This variant is also known as 621+2T>C. ClinVar contains an entry for this variant (Variation ID: 53969). Algorithms developed to predict the effect of sequence changes on RNA splicing suggest that this variant may disrupt the consensus splice site. For these reasons, this variant has been classified as Pathogenic.

Fulgent Genetics
Classification: Likely pathogenic for Hereditary pancreatitis; Bronchiectasis with or without elevated sweat chloride 1; Cystic fibrosis; Congenital bilateral aplasia of vas deferens from CFTR mutation. Last evaluated: 2024-04-25. Review status: criteria provided, single submitter. Criteria: ACMG Guidelines, 2015. Collection method: clinical testing. Allele origin: germline.

Baylor Genetics
Classification: Pathogenic for Bronchiectasis with or without elevated sweat chloride 1. Last evaluated: 2023-08-01. Review status: criteria provided, single submitter. Criteria: ACMG Guidelines, 2015. Collection method: clinical testing. Allele origin: unknown.

CFTR-France
Classification: Pathogenic for cystic fibrosis. Last evaluated: 2018-01-29. Review status: criteria provided, single submitter. Criteria: Claustres M et al. (Hum Mutat 2017). Collection method: curation. Allele origin: germline. Affected: yes.

Counsyl
Classification: Likely pathogenic for Cystic fibrosis. Last evaluated: 2017-04-18. Review status: no assertion criteria provided. Collection method: clinical testing. Allele origin: unknown. Not counted in ClinVar's aggregate classification.

ClinVar Staff, National Center for Biotechnology Information (NCBI)
No classification provided. Condition: CFTR-related disorders. Review status: no classification provided. Collection method: literature only. Allele origin: germline. Affected: yes. Not counted in ClinVar's aggregate classification.

Literature cited by the submitters: PubMed 12007216 (cited by Women's Health and Genetics/Laboratory Corporation of America, LabCorp); PubMed 17968991 (cited by Women's Health and Genetics/Laboratory Corporation of America, LabCorp); PubMed 9482579 (cited by 4 submitters); PubMed 28830496 (cited by Women's Health and Genetics/Laboratory Corporation of America, LabCorp); PubMed 16199547 (cited by Labcorp Genetics (formerly Invitae), Labcorp); PubMed 1695717 (cited by Labcorp Genetics (formerly Invitae), Labcorp); PubMed 7691345 (cited by Labcorp Genetics (formerly Invitae), Labcorp); PubMed 9725922 (cited by Labcorp Genetics (formerly Invitae), Labcorp); PubMed 15371902 (cited by Labcorp Genetics (formerly Invitae), Labcorp); PubMed 23974870 (cited by Labcorp Genetics (formerly Invitae), Labcorp).